The following is an entry in ClinVar:

NM_001368395.3(FRMPD4):c.98C>T (p.Ser33Phe)

Gene: FRMPD4 (FERM and PDZ domain containing 4; plus strand). Cytogenetic location: Xp22.2.
Variant type: single nucleotide variant.
Coding change: c.98C>T on transcript NM_001368395.3; coding-DNA position 98, C replaced by T.
Protein change: p.Ser33Phe; replaces serine 33 with phenylalanine.
Molecular consequence: missense variant.
Genome position (GRCh38, 1-based): chrX:11,877,964, C>T. VCF-style: chrX-11877964-C-T. GRCh37 (hg19) VCF-style: chrX-11896083-C-T.
Other names: c.98C>T, p.Ser33Phe (NM_001368398.3); short protein forms S33F.
Identifiers: ClinVar variation 3026826 (VCV003026826.20), dbSNP rs2053794295, ClinGen allele CA2415748504.
Genomic context (GRCh38, chrX:11,877,964, plus strand): 5'-GGCTGTTTTGGCTTCCTACCATGGAGGAGGACCTTGAAGGAGAAAACTGGCAGACCTTCT[C>T]CATTCCCTGGTGCTTCAGCAGGGCAGCTGAGGATGAAGGAGAACATATTTGCCAGTGAGT-3'

ClinVar aggregate classification (germline): Uncertain significance (1 of 4 stars; one submission).

Submission:

CeGaT Center for Human Genetics Tuebingen
Classification: Uncertain significance. Last evaluated: 2024-01-01. Review status: criteria provided, single submitter. Criteria: CeGaT Center For Human Genetics Tuebingen Variant Classification Criteria Version 2. Collection method: clinical testing. Allele origin: germline. Affected: yes. Observed: 1 variant allele.
Comment: FRMPD4: PM2